The following is an entry in ClinVar:

ClinVar aggregate classification (germline): Uncertain significance (1 of 4 stars; one submission).

gnomAD v4.1: 2 of 1,613,796 alleles (0.00012%); highest among the groups gnomAD compares: African/African-American, 0.0027%; no homozygotes.

Submission:

Greenwood Genetic Center Diagnostic Laboratories, Greenwood Genetic Center
Classification: Uncertain significance. Last evaluated: 2021-06-10. Review status: criteria provided, single submitter. Criteria: ACMG Guidelines, 2015. Collection method: clinical testing. Allele origin: germline. Affected: yes.
Comment: PP3, PM2

NM_018489.3(ASH1L):c.68C>G (p.Pro23Arg)

Gene: ASH1L (ASH1 like histone lysine methyltransferase; minus strand). Cytogenetic location: 1q22.
Variant type: single nucleotide variant.
Coding change: c.68C>G on transcript NM_018489.3 (MANE Select); coding-DNA position 68, C replaced by G.
Protein change: p.Pro23Arg; replaces proline 23 with arginine.
Molecular consequence: missense variant.
Genome position (GRCh38, 1-based): chr1:155,521,452, G>C on the plus strand (C>G on the coding strand, the complement: ASH1L is on the minus strand). VCF-style: chr1-155521452-G-C. GRCh37 (hg19) VCF-style: chr1-155491243-G-C.
Other names: c.68C>G, p.Pro23Arg (NM_001366177.2); short protein forms P23R.
Identifiers: ClinVar variation 1334490 (VCV001334490.4), dbSNP rs908343803, ClinGen allele CA30912713.